The following is an entry in ClinVar:

NM_177438.3(DICER1):c.2186A>T (p.His729Leu)

Gene: DICER1 (dicer 1, ribonuclease III; minus strand). Cytogenetic location: 14q32.13.
Variant type: single nucleotide variant.
Coding change: c.2186A>T on transcript NM_177438.3 (MANE Select); coding-DNA position 2186, A replaced by T.
Protein change: p.His729Leu; replaces histidine 729 with leucine.
Molecular consequence: missense variant. On other transcripts: non-coding transcript variant (6).
Genome position (GRCh38, 1-based): chr14:95,111,387, T>A on the plus strand (A>T on the coding strand, the complement: DICER1 is on the minus strand). VCF-style: chr14-95111387-T-A. GRCh37 (hg19) VCF-style: chr14-95577724-T-A.
Other names: c.1781A>T, p.His594Leu (NM_001395696.1, NM_001395698.1, NM_001395687.1 and 3 more transcripts); c.503A>T, p.His168Leu (NM_001395697.1); c.2186A>T, p.His729Leu (NM_030621.4, NM_001195573.1, NM_001271282.3 and 12 more transcripts); c.1904A>T, p.His635Leu (NM_001395686.1); c.1619A>T, p.His540Leu (NM_001395691.1); short protein forms H635L, H729L, H168L, H594L, H540L.
Identifiers: ClinVar variation 3839991 (VCV003839991.1).

ClinVar aggregate classification (germline): Uncertain significance (1 of 4 stars; one submission).

Conditions:
Hereditary cancer-predisposing syndrome. Also called: Hereditary neoplastic syndrome; Neoplastic Syndromes, Hereditary; Tumor predisposition; Hereditary Cancer Syndrome. Identifiers: Orphanet 140162, MedGen C0027672, MeSH D009386, MONDO:0015356.

Submission:

Ambry Genetics
Classification: Uncertain significance for Hereditary cancer-predisposing syndrome. Last evaluated: 2024-12-17. Review status: criteria provided, single submitter. Criteria: Ambry Variant Classification Scheme 2023. Collection method: clinical testing. Allele origin: germline.
Comment: The p.H729L variant (also known as c.2186A>T), located in coding exon 13 of the DICER1 gene, results from an A to T substitution at nucleotide position 2186. The histidine at codon 729 is replaced by leucine, an amino acid with similar properties. This amino acid position is conserved. In addition, the in silico prediction for this alteration is inconclusive. Based on the available evidence, the clinical significance of this variant remains unclear.